The following is an entry in ClinVar:

NM_012310.5(KIF4A):c.2620C>A (p.Leu874Met)

Gene: KIF4A (kinesin family member 4A; plus strand). Cytogenetic location: Xq13.1.
Variant type: single nucleotide variant.
Coding change: c.2620C>A on transcript NM_012310.5 (MANE Select); coding-DNA position 2620, C replaced by A.
Protein change: p.Leu874Met; replaces leucine 874 with methionine.
Molecular consequence: missense variant.
Genome position (GRCh38, 1-based): chrX:70,403,864, C>A. VCF-style: chrX-70403864-C-A. GRCh37 (hg19) VCF-style: chrX-69623714-C-A.
Other names: short protein forms L874M.
Identifiers: ClinVar variation 2464730 (VCV002464730.4), dbSNP rs377673998, ClinGen allele CA10441363.

ClinVar aggregate classification (germline): Uncertain significance. Review status: criteria provided, multiple submitters, no conflicts (2 of 4 stars). 2 submissions from 2 submitters: Uncertain significance (2). Last evaluated 2025-11-07.

Conditions:
KIF4A-related disorder. Also called: KIF4A-related condition.

Allele frequency attached by ClinVar (database versions not stated): gnomAD exomes 0.00001; gnomAD 0.00005; ExAC 0.00007; TOPMed 0.00008; ESP Exome Variant Server 0.00019.
gnomAD v4.1: 29 of 1,199,795 alleles (0.0024%); highest among the groups gnomAD compares: African/African-American, 0.014%; no homozygotes.

Submissions (2):

PreventionGenetics, part of Exact Sciences
Classification: Uncertain significance for KIF4A-related condition. Last evaluated: 2025-11-07. Review status: criteria provided, single submitter. Criteria: ACMG Guidelines, 2015. Collection method: clinical testing. Allele origin: germline.
Comment: The KIF4A c.2620C>A variant is predicted to result in the amino acid substitution p.Leu874Met. To our knowledge, this variant has not been reported in the literature. This variant is reported in 0.033% of alleles in individuals of African descent in gnomAD, which may be too frequent to be a primary cause of disease. Although we suspect that this variant may be benign, at this time, the clinical significance of this variant is uncertain due to the absence of conclusive functional and genetic evidence.

Ambry Genetics
Classification: Uncertain significance. Last evaluated: 2025-07-14. Review status: criteria provided, single submitter. Criteria: Ambry Variant Classification Scheme 2023. Collection method: clinical testing. Allele origin: germline.